The following is an entry in ClinVar:

NM_001270974.2(HYDIN):c.9548G>A (p.Cys3183Tyr)

Gene: HYDIN (HYDIN axonemal central pair apparatus protein; minus strand). Cytogenetic location: 16q22.2.
Variant type: single nucleotide variant.
Coding change: c.9548G>A on transcript NM_001270974.2 (MANE Select); coding-DNA position 9548, G replaced by A.
Protein change: p.Cys3183Tyr; replaces cysteine 3183 with tyrosine.
Molecular consequence: missense variant.
Genome position (GRCh38, 1-based): chr16:70,891,754, C>T on the plus strand (G>A on the coding strand, the complement: HYDIN is on the minus strand). VCF-style: chr16-70891754-C-T. GRCh37 (hg19) VCF-style: chr16-70925657-C-T.
Other names: short protein forms C3183Y.
Identifiers: ClinVar variation 2663618 (VCV002663618.1), dbSNP rs2041481694, ClinGen allele CA396603874.

ClinVar aggregate classification (germline): Uncertain significance (1 of 4 stars; one submission).

Allele frequency attached by ClinVar (database versions not stated): 1000 Genomes Project 30x 0.00016.

Submission:

GeneDx
Classification: Uncertain significance. Last evaluated: 2023-05-01. Review status: criteria provided, single submitter. Criteria: GeneDx Variant Classification Process June 2021. Collection method: clinical testing. Allele origin: germline. Affected: yes.
Comment: Not observed at significant frequency in large population cohorts (gnomAD); In silico analysis supports that this missense variant does not alter protein structure/function; Has not been previously published as pathogenic or benign to our knowledge